The following is an entry in ClinVar:

NM_001080467.3(MYO5B):c.656G>A (p.Arg219His)

Gene: MYO5B (myosin VB; minus strand). Cytogenetic location: 18q21.1.
Variant type: single nucleotide variant.
Coding change: c.656G>A on transcript NM_001080467.3 (MANE Select); coding-DNA position 656, G replaced by A.
Protein change: p.Arg219His; replaces arginine 219 with histidine.
Molecular consequence: missense variant.
Genome position (GRCh38, 1-based): chr18:49,992,388, C>T on the plus strand (G>A on the coding strand, the complement: MYO5B is on the minus strand). VCF-style: chr18-49992388-C-T. GRCh37 (hg19) VCF-style: chr18-47518758-C-T.
Other names: short protein forms R219H.
Identifiers: ClinVar variation 803491 (VCV000803491.18), dbSNP rs1053713532, ClinGen allele CA299988084.

ClinVar aggregate classification (germline): Pathogenic/Likely pathogenic. Review status: criteria provided, multiple submitters, no conflicts (2 of 4 stars). 3 submissions from 3 submitters: Pathogenic (1); Likely pathogenic (1). 1 of the submissions does not count toward it. Last evaluated 2024-11-01.

Conditions:
Congenital microvillous atrophy (DIAR2). Also called: MICROVILLUS ATROPHY, CONGENITAL; Microvillus inclusion disease; Diarrhea 2 with microvillus atrophy, with or without cholestasis; CONGENITAL FAMILIAL PROTRACTED DIARRHEA WITH ENTEROCYTE BRUSH-BORDER ABNORMALITIES; DAVIDSON DISEASE. Identifiers: Orphanet 2290, MedGen C0341306, MONDO:0009635, OMIM 251850.

Allele frequency attached by ClinVar (database versions not stated): gnomAD 0.00001; gnomAD exomes 0.00001; TOPMed 0.00002.
gnomAD v4.1: 15 of 1,614,006 alleles (0.00093%); highest among the groups gnomAD compares: African/African-American, 0.004%; no homozygotes.

Submissions (3):

CeGaT Center for Human Genetics Tuebingen
Classification: Likely pathogenic. Last evaluated: 2024-11-01. Review status: criteria provided, single submitter. Criteria: CeGaT Center For Human Genetics Tuebingen Variant Classification Criteria Version 2. Collection method: clinical testing. Allele origin: germline. Affected: yes. Observed: 1 variant allele.
Comment: MYO5B: PM3:Strong, PM2, PM5:Supporting, PP3, PP4

Mendelics
Classification: Pathogenic for Congenital microvillous atrophy. Last evaluated: 2019-05-28. Review status: criteria provided, single submitter. Criteria: Mendelics Assertion Criteria 2017. Collection method: clinical testing. Allele origin: unknown.

OMIM
Classification: Pathogenic for DIARRHEA 2, WITH MICROVILLUS ATROPHY. Last evaluated: 2008-10-01. Review status: no assertion criteria provided. Collection method: literature only. Allele origin: germline. Not counted in ClinVar's aggregate classification.

Literature cited by the submitters: PubMed 25111220 (cited by OMIM); PubMed 18724368 (cited by OMIM).